The following is an entry in ClinVar:

ClinVar aggregate classification (germline): Likely benign. Review status: criteria provided, multiple submitters, no conflicts (2 of 4 stars). 3 submissions from 3 submitters: Likely benign (3). Last evaluated 2025-12-24.

Conditions:
POLD1-related polyposis and colorectal cancer syndrome (CRCS10). Also called: Colorectal cancer 10; COLORECTAL CANCER, SUSCEPTIBILITY TO, ON CHROMOSOME 19q; Colorectal cancer, susceptibility to, 10. Identifiers: Orphanet 220460, MedGen C2675481, MONDO:0012953, OMIM 612591.
Familial colorectal cancer type X. Identifiers: Orphanet 440437, MedGen C3896578, MONDO:0018604.

Submissions (3):

Labcorp Genetics (formerly Invitae), Labcorp
Classification: Likely benign for POLD1-related polyposis and colorectal cancer syndrome. Last evaluated: 2025-12-24. Review status: criteria provided, single submitter. Criteria: Invitae Variant Classification Sherloc (09022015). Collection method: clinical testing. Allele origin: germline.

Department of Pathology and Laboratory Medicine, Sinai Health System
Classification: Likely benign for Familial colorectal cancer type X. Last evaluated: 2024-05-06. Review status: criteria provided, single submitter. Criteria: ACMG Guidelines, 2015. Collection method: clinical testing. Allele origin: germline. Affected: yes.

GeneDx
Classification: Likely benign. Last evaluated: 2017-04-05. Review status: criteria provided, single submitter. Criteria: GeneDx Variant Classification (06012015). Collection method: clinical testing. Allele origin: germline. Affected: yes.
Comment: This variant is considered likely benign or benign based on one or more of the following criteria: it is a conservative change, it occurs at a poorly conserved position in the protein, it is predicted to be benign by multiple in silico algorithms, and/or has population frequency not consistent with disease.

NM_002691.4(POLD1):c.970+12G>A

Gene: POLD1 (DNA polymerase delta 1, catalytic subunit; plus strand). Cytogenetic location: 19q13.33.
Variant type: single nucleotide variant.
Coding change: c.970+12G>A on transcript NM_002691.4 (MANE Select); 12 bases into the intron after coding-DNA position 970, G replaced by A.
Molecular consequence: intron variant.
Genome position (GRCh38, 1-based): chr19:50,402,753, G>A. VCF-style: chr19-50402753-G-A. GRCh37 (hg19) VCF-style: chr19-50906010-G-A.
Other names: c.970+12G>A (NM_001256849.1, NM_001308632.1, LRG_785t2 and 1 more transcripts).
Identifiers: ClinVar variation 508818 (VCV000508818.9), dbSNP rs778084767, ClinGen allele CA309601270.
Genomic context (GRCh38, chr19:50,402,753, plus strand): 5'-GCGCCCTTGCGCGTGCTCAGCTTCGATATCGAGTGCGCCGGCCGCAAAGGTCTGTCCCCG[G>A]GCCCGGGCTCCTGCCCGCCTCATTGATGTGCCAAGTCGGGGGTCGGAAAGGCAGGTCCGG-3'